The following is an entry in ClinVar:

NM_000059.4(BRCA2):c.8146G>A (p.Val2716Met)

Gene: BRCA2 (BRCA2 DNA repair associated; plus strand). Cytogenetic location: 13q13.1.
Variant type: single nucleotide variant.
Coding change: c.8146G>A on transcript NM_000059.4 (MANE Select); coding-DNA position 8146, G replaced by A.
Protein change: p.Val2716Met; replaces valine 2716 with methionine.
Molecular consequence: missense variant.
Genome position (GRCh38, 1-based): chr13:32,363,348, G>A. VCF-style: chr13-32363348-G-A. GRCh37 (hg19) VCF-style: chr13-32937485-G-A.
Other names: c.8050G>A, p.Val2684Met (NM_001406719.1); c.8146G>A, p.Val2716Met (NM_001406720.1); c.3214G>A, p.Val1072Met (NM_001406721.1); c.1729G>A, p.Val577Met (NM_001406722.1); short protein forms V2716M, V577M, V2684M, V1072M.
Identifiers: ClinVar variation 1762173 (VCV001762173.8), dbSNP rs777094216, ClinGen allele CA387749499.
Genomic context (GRCh38, chr13:32,363,348, plus strand): 5'-TTGAGCGCAAATATATCTGAAACTTCTAGCAATAAAACTAGTAGTGCAGATACCCAAAAA[G>A]TGGCCATTATTGAACTTACAGATGGGTGGTATGCTGTTAAGGCCCAGTTAGATCCTCCCC-3'
Protein context (NP_000050.3, residues 2706-2726): NKTSSADTQK[Val2716Met]AIIELTDGWY

ClinVar aggregate classification (germline): Conflicting classifications of pathogenicity. Review status: criteria provided, conflicting classifications (1 of 4 stars). 2 submissions from 2 submitters: Uncertain significance (1); Likely benign (1). Last evaluated 2025-05-16.

Conditions:
Hereditary cancer-predisposing syndrome. Also called: Neoplastic Syndromes, Hereditary; Tumor predisposition; Hereditary Cancer Syndrome; Hereditary neoplastic syndrome. Identifiers: Orphanet 140162, MedGen C0027672, MeSH D009386, MONDO:0015356.
Hereditary breast ovarian cancer syndrome. Also called: Hereditary breast and ovarian cancer; Hereditary breast and ovarian cancer syndrome (HBOC); BRCA1- and BRCA2-Associated Hereditary Breast and Ovarian Cancer; Breast and ovarian cancer; Hereditary breast and/or ovarian cancer syndrome; Hereditary breast and ovarian cancer syndrome. Identifiers: Orphanet 145, MedGen C0677776, MeSH D061325, MONDO:0003582. Disease mechanism: loss of function.

Submissions (2):

Ambry Genetics
Classification: Likely benign for Hereditary cancer-predisposing syndrome. Last evaluated: 2025-05-16. Review status: criteria provided, single submitter. Criteria: Ambry Variant Classification Scheme 2023. Collection method: clinical testing. Allele origin: germline.

Labcorp Genetics (formerly Invitae), Labcorp
Classification: Uncertain significance for Hereditary breast ovarian cancer syndrome. Last evaluated: 2023-10-18. Review status: criteria provided, single submitter. Criteria: Invitae Variant Classification Sherloc (09022015). Collection method: clinical testing. Allele origin: germline.
Comment: This sequence change replaces valine, which is neutral and non-polar, with methionine, which is neutral and non-polar, at codon 2716 of the BRCA2 protein (p.Val2716Met). This variant is not present in population databases (gnomAD no frequency). This variant has not been reported in the literature in individuals affected with BRCA2-related conditions. ClinVar contains an entry for this variant (Variation ID: 1762173). Advanced modeling of protein sequence and biophysical properties (such as structural, functional, and spatial information, amino acid conservation, physicochemical variation, residue mobility, and thermodynamic stability) performed at Invitae indicates that this missense variant is not expected to disrupt BRCA2 protein function. In summary, the available evidence is currently insufficient to determine the role of this variant in disease. Therefore, it has been classified as a Variant of Uncertain Significance.